The following is an entry in ClinVar:

NM_000214.3(JAG1):c.2705G>C (p.Cys902Ser)

Gene: JAG1 (jagged canonical Notch ligand 1; minus strand). Cytogenetic location: 20p12.2.
Variant type: single nucleotide variant.
Coding change: c.2705G>C on transcript NM_000214.3 (MANE Select); coding-DNA position 2705, G replaced by C.
Protein change: p.Cys902Ser; replaces cysteine 902 with serine.
Molecular consequence: missense variant.
Genome position (GRCh38, 1-based): chr20:10,641,671, C>G on the plus strand (G>C on the coding strand, the complement: JAG1 is on the minus strand). VCF-style: chr20-10641671-C-G. GRCh37 (hg19) VCF-style: chr20-10622319-C-G.
Other names: c.2705G>C, p.Cys902Ser (LRG_1191t1); short protein forms C902S.
Identifiers: ClinVar variation 234616 (VCV000234616.11), dbSNP rs876661122, ClinGen allele CA10577610.

ClinVar aggregate classification (germline): Conflicting classifications of pathogenicity. Review status: criteria provided, conflicting classifications (1 of 4 stars). 2 submissions from 2 submitters: Likely pathogenic (1); Uncertain significance (1). Last evaluated 2020-02-21.

Conditions:
Alagille syndrome due to a JAG1 point mutation. Also called: JAG1-Related Alagille Syndrome; HEPATIC DUCTULAR HYPOPLASIA, SYNDROMATIC; Alagille Syndrome 1. Identifiers: Orphanet 261619, Orphanet 52, MedGen C1956125, MONDO:0016862, OMIM 118450.

Submissions (2):

Labcorp Genetics (formerly Invitae), Labcorp
Classification: Likely pathogenic for Alagille syndrome due to a JAG1 point mutation. Last evaluated: 2020-02-21. Review status: criteria provided, single submitter. Criteria: Invitae Variant Classification Sherloc (09022015). Collection method: clinical testing. Allele origin: germline.
Comment: In summary, the currently available evidence indicates that the variant is pathogenic, but additional data are needed to prove that conclusively. Therefore, this variant has been classified as Likely Pathogenic. This variant has been reported to affect JAG1 protein function (PMID: 31343788). This variant has been observed in individual(s) with clinical features of Alagille syndrome (PMID: 11180599, Invitae). It has also been observed to segregate with disease in related individuals. ClinVar contains an entry for this variant (Variation ID: 234616). This variant is not present in population databases (ExAC no frequency). This sequence change replaces cysteine with serine at codon 902 of the JAG1 protein (p.Cys902Ser). The cysteine residue is highly conserved and there is a moderate physicochemical difference between cysteine and serine.

GeneDx
Classification: Uncertain significance. Last evaluated: 2015-12-30. Review status: criteria provided, single submitter. Criteria: GeneDx Variant Classification (06012015). Collection method: clinical testing. Allele origin: germline. Affected: yes.
Comment: The C902S variant has been published previously as a maternally inherited variant in a patient with Allagile syndrome (Colliton et al, 2001). It was not observed in approximately 6,500 individuals of European and African American ancestry in the NHLBI Exome Sequencing Project, indicating it is not a common benign variant in these populations. The C902S variant is a non-conservative amino acid substitution, which is likely to impact secondary protein structure as these residues differ in polarity, charge, size and/or other properties. This substitution occurs at a position that is conserved across species and in silico analysis predicts this variant is probably damaging to the protein structure/function. However, no missense variants have been reported in nearby residues, according to the Human Gene Mutation Database (Stenson et al., 2014). Therefore, based on the currently available information, it is unclear whether this variant is a pathogenic variant or a rare benign variant.

Literature cited by the submitters: PubMed 31343788 (cited by Labcorp Genetics (formerly Invitae), Labcorp); PubMed 11180599 (cited by Labcorp Genetics (formerly Invitae), Labcorp).